The following is an entry in ClinVar:

NM_024408.4(NOTCH2):c.1029C>T (p.Ala343=)

Gene: NOTCH2 (notch receptor 2; minus strand). Cytogenetic location: 1p12.
Variant type: single nucleotide variant.
Coding change: c.1029C>T on transcript NM_024408.4 (MANE Select); coding-DNA position 1029, C replaced by T.
Protein change: p.Ala343=; no amino-acid change (alanine 343 retained).
Molecular consequence: synonymous variant.
Genome position (GRCh38, 1-based): chr1:119,969,590, G>A on the plus strand (C>T on the coding strand, the complement: NOTCH2 is on the minus strand). VCF-style: chr1-119969590-G-A. GRCh37 (hg19) VCF-style: chr1-120512213-G-A.
Other names: c.1029C>T, p.Ala343= (NM_001200001.2).
Identifiers: ClinVar variation 2151340 (VCV002151340.4), dbSNP rs2526313169, ClinGen allele CA420039883.
Genomic context (GRCh38, chr1:119,969,590, plus strand): 5'-CATGCAAGAGAAGGAGGCCACACGGTCGATGCAGGTGGAGCCTGGAGTACAGGAGGCGAA[G>A]GCACAATCATCAATGTTCTCACTGCAGTCATCTCCACTCCAGCCGTTGACACATACACAG-3'
Protein context (NP_077719.2, residues 333-353): DDCSENIDDC[Ala343=]FASCTPGSTC

ClinVar aggregate classification (germline): Uncertain significance (1 of 4 stars; one submission).

Conditions:
Hajdu-Cheney syndrome (HJCYS). Also called: SERPENTINE FIBULA-POLYCYSTIC KIDNEY SYNDROME; ACROOSTEOLYSIS WITH OSTEOPOROSIS AND CHANGES IN SKULL AND MANDIBLE; Acroosteolysis dominant type. Identifiers: Orphanet 955, MedGen C0917715, MONDO:0007057, OMIM 102500.

Allele frequency attached by ClinVar (database versions not stated): gnomAD exomes below 0.00001.
gnomAD v4.1: 1 of 1,614,058 alleles (0.000062%); highest among the groups gnomAD compares: East Asian, 0.0022%; no homozygotes.

Submission:

Labcorp Genetics (formerly Invitae), Labcorp
Classification: Uncertain significance for Hajdu-Cheney syndrome. Last evaluated: 2024-01-04. Review status: criteria provided, single submitter. Criteria: Invitae Variant Classification Sherloc (09022015). Collection method: clinical testing. Allele origin: germline.
Comment: This sequence change affects codon 343 of the NOTCH2 mRNA. It is a 'silent' change, meaning that it does not change the encoded amino acid sequence of the NOTCH2 protein. This variant is not present in population databases (gnomAD no frequency). This variant has not been reported in the literature in individuals affected with NOTCH2-related conditions. ClinVar contains an entry for this variant (Variation ID: 2151340). Algorithms developed to predict the effect of sequence changes on RNA splicing suggest that this variant may create or strengthen a splice site. In summary, the available evidence is currently insufficient to determine the role of this variant in disease. Therefore, it has been classified as a Variant of Uncertain Significance.